The following is an entry in ClinVar:

ClinVar aggregate classification (germline): Uncertain significance (1 of 4 stars; one submission).

Allele frequency attached by ClinVar (database versions not stated): gnomAD exomes 0.00057; ESP Exome Variant Server 0.00069; gnomAD 0.00089; ExAC 0.00100; TOPMed 0.00119; 1000 Genomes Project 0.00120; 1000 Genomes Project 30x 0.00203.
gnomAD v4.1: 1,016 of 1,608,958 alleles (0.063%); highest among the groups gnomAD compares: Middle Eastern, 0.36%; no homozygotes.

Submission:

Ambry Genetics
Classification: Uncertain significance. Last evaluated: 2024-09-16. Review status: criteria provided, single submitter. Criteria: Ambry Variant Classification Scheme 2023. Collection method: clinical testing. Allele origin: germline.
Comment: The p.I93T variant (also known as c.278T>C), located in coding exon 2 of the MNDA gene, results from a T to C substitution at nucleotide position 278. The isoleucine at codon 93 is replaced by threonine, an amino acid with similar properties. This amino acid position is conserved. In addition, this alteration is predicted to be tolerated by in silico analysis. Since supporting evidence is limited at this time, the clinical significance of this alteration remains unclear.

NM_002432.3(MNDA):c.278T>C (p.Ile93Thr)

Gene: MNDA (myeloid cell nuclear differentiation antigen; plus strand). Cytogenetic location: 1q23.1.
Variant type: single nucleotide variant.
Coding change: c.278T>C on transcript NM_002432.3 (MANE Select); coding-DNA position 278, T replaced by C.
Protein change: p.Ile93Thr; replaces isoleucine 93 with threonine.
Molecular consequence: missense variant.
Genome position (GRCh38, 1-based): chr1:158,843,291, T>C. VCF-style: chr1-158843291-T-C. GRCh37 (hg19) VCF-style: chr1-158813081-T-C.
Other names: short protein forms I93T.
Identifiers: ClinVar variation 1796029 (VCV001796029.3), dbSNP rs148953771, ClinGen allele CA1185549.
Genomic context (GRCh38, chr1:158,843,291, plus strand): 5'-GCTATTCCACTCTAGGCCTATTGTGCCCTTTTTCTTTTCTTTTGTCAGTTGCTAAGAAAA[T>C]TAAAACACAAGAAAAAGCTCCAGTGAAAAAAATAAACCAGGAAGAAGTGGGTCTTGCGGC-3'
Protein context (NP_002423.1, residues 83-103): RKEKSKVAKK[Ile93Thr]KTQEKAPVKK